The following is an entry in ClinVar:

NM_006031.6(PCNT):c.9661C>T (p.Arg3221Trp)

Gene: PCNT (pericentrin; plus strand). Cytogenetic location: 21q22.3.
Variant type: single nucleotide variant.
Coding change: c.9661C>T on transcript NM_006031.6 (MANE Select); coding-DNA position 9661, C replaced by T.
Protein change: p.Arg3221Trp; replaces arginine 3221 with tryptophan.
Molecular consequence: missense variant.
Genome position (GRCh38, 1-based): chr21:46,442,534, C>T. VCF-style: chr21-46442534-C-T. GRCh37 (hg19) VCF-style: chr21-47862447-C-T.
Other names: c.9070C>T, p.Arg3024Trp (NM_001315529.2); short protein forms R3024W, R3221W.
Identifiers: ClinVar variation 872929 (VCV000872929.7), dbSNP rs141304187, ClinGen allele CA10081409.
Genomic context (GRCh38, chr21:46,442,534, plus strand): 5'-TGTCTTGTCTCTTTTTTTTGTAGATTACGTTTTTTGGTTAAGAAATGGCAAGAAGTAGAT[C>T]GGAAAGGAGCTCTGGCACAAGGCAAAGCCCCTCGCCCAGGTGGGACTCCAGCTGCTGTTG-3'
Protein context (NP_006022.3, residues 3211-3231): FLVKKWQEVD[Arg3221Trp]KGALAQGKAP

ClinVar aggregate classification (germline): Uncertain significance. Review status: criteria provided, multiple submitters, no conflicts (2 of 4 stars). 3 submissions from 3 submitters: Uncertain significance (2). 1 of the submissions does not count toward it. Last evaluated 2022-11-01.

Conditions:
Microcephalic osteodysplastic primordial dwarfism type II (MOPD2). Also called: Microcephalic osteodysplastic primordial dwarfism with tooth abnormalities; MOPD II; OSTEODYSPLASTIC PRIMORDIAL DWARFISM, TYPE II. Identifiers: Orphanet 2637, MedGen C0432246, MONDO:0008872, OMIM 210720.

Allele frequency attached by ClinVar (database versions not stated): gnomAD exomes 0.00006 and 0.00008; ESP Exome Variant Server 0.00008; ExAC 0.00012; 1000 Genomes Project 30x 0.00016; 1000 Genomes Project 0.00020; gnomAD 0.00023 and 0.00024.
gnomAD v4.1: 115 of 1,612,550 alleles (0.0071%); highest among the groups gnomAD compares: East Asian, 0.04%; no homozygotes.

Submissions (3):

Labcorp Genetics (formerly Invitae), Labcorp
Classification: Uncertain significance. Last evaluated: 2022-11-01. Review status: criteria provided, single submitter. Criteria: Invitae Variant Classification Sherloc (09022015). Collection method: clinical testing. Allele origin: germline.
Comment: This sequence change replaces arginine, which is basic and polar, with tryptophan, which is neutral and slightly polar, at codon 3221 of the PCNT protein (p.Arg3221Trp). This variant is present in population databases (rs141304187, gnomAD 0.03%). This variant has not been reported in the literature in individuals affected with PCNT-related conditions. ClinVar contains an entry for this variant (Variation ID: 872929). Algorithms developed to predict the effect of missense changes on protein structure and function are either unavailable or do not agree on the potential impact of this missense change (SIFT: "Deleterious"; PolyPhen-2: "Possibly Damaging"; Align-GVGD: "Class C0"). In summary, the available evidence is currently insufficient to determine the role of this variant in disease. Therefore, it has been classified as a Variant of Uncertain Significance.

Illumina Laboratory Services, Illumina
Classification: Uncertain significance for Microcephalic osteodysplastic primordial dwarfism type II. Last evaluated: 2018-01-13. Review status: criteria provided, single submitter. Criteria: ICSL Variant Classification Criteria 13 December 2019. Collection method: clinical testing. Allele origin: germline.

UOSD Laboratory of Genetics & Genomics of Rare Diseases, Istituto Giannina Gaslini
Classification: Likely pathogenic for Microcephalic osteodysplastic primordial dwarfism, type II. Last evaluated: 2020-03-17. Review status: no assertion criteria provided. Collection method: clinical testing. Allele origin: germline. Affected: yes. Observed: 1 variant allele. Not counted in ClinVar's aggregate classification.

Literature cited by the submitters: PubMed 32818659 (cited by UOSD Laboratory of Genetics & Genomics of Rare Diseases, Istituto Giannina Gaslini).